The following is an entry in ClinVar:

ClinVar aggregate classification (germline): Uncertain significance (1 of 4 stars; one submission).

Conditions:
Severe combined immunodeficiency due to DNA-PKcs deficiency. Also called: IMMUNODEFICIENCY 26 WITH NEUROLOGIC ABNORMALITIES; Immunodeficiency 26 with or without neurologic abnormalities. Identifiers: Orphanet 317425, MedGen C4014833, MONDO:0014423, OMIM 615966.

Allele frequency attached by ClinVar (database versions not stated): gnomAD exomes 0.00001; ExAC 0.00002; TOPMed below 0.00001; gnomAD 0.00001.
gnomAD v4.1: 10 of 1,613,646 alleles (0.00062%); highest among the groups gnomAD compares: Non-Finnish European, 0.00076%; no homozygotes.

Submission:

Labcorp Genetics (formerly Invitae), Labcorp
Classification: Uncertain significance for Severe combined immunodeficiency due to DNA-PKcs deficiency. Last evaluated: 2022-02-19. Review status: criteria provided, single submitter. Criteria: Invitae Variant Classification Sherloc (09022015). Collection method: clinical testing. Allele origin: germline.
Comment: In summary, the available evidence is currently insufficient to determine the role of this variant in disease. Therefore, it has been classified as a Variant of Uncertain Significance. Experimental studies and prediction algorithms are not available or were not evaluated, and the functional significance of this variant is currently unknown. This variant has not been reported in the literature in individuals affected with PRKDC-related conditions. This variant is present in population databases (rs757590843, gnomAD 0.007%). This sequence change replaces glutamic acid, which is acidic and polar, with lysine, which is basic and polar, at codon 1557 of the PRKDC protein (p.Glu1557Lys).

NM_006904.7(PRKDC):c.4669G>A (p.Glu1557Lys)

Gene: PRKDC (protein kinase, DNA-activated, catalytic subunit; minus strand). Cytogenetic location: 8q11.21.
Variant type: single nucleotide variant.
Coding change: c.4669G>A on transcript NM_006904.7 (MANE Select); coding-DNA position 4669, G replaced by A.
Protein change: p.Glu1557Lys; replaces glutamic acid 1557 with lysine.
Molecular consequence: missense variant.
Genome position (GRCh38, 1-based): chr8:47,886,051, C>T on the plus strand (G>A on the coding strand, the complement: PRKDC is on the minus strand). VCF-style: chr8-47886051-C-T. GRCh37 (hg19) VCF-style: chr8-48798612-C-T.
Other names: c.4669G>A, p.Glu1557Lys (NM_001081640.2); short protein forms E1557K.
Identifiers: ClinVar variation 2181063 (VCV002181063.2), dbSNP rs757590843, ClinGen allele CA4740834.